The following is an entry in ClinVar:

NM_001009944.3(PKD1):c.4770C>T (p.Pro1590=)

Gene: PKD1 (polycystin 1, transient receptor potential channel interacting; minus strand). Cytogenetic location: 16p13.3.
Variant type: single nucleotide variant.
Coding change: c.4770C>T on transcript NM_001009944.3 (MANE Select); coding-DNA position 4770, C replaced by T.
Protein change: p.Pro1590=; no amino-acid change (proline 1590 retained).
Molecular consequence: synonymous variant.
Genome position (GRCh38, 1-based): chr16:2,110,397, G>A on the plus strand (C>T on the coding strand, the complement: PKD1 is on the minus strand). VCF-style: chr16-2110397-G-A. GRCh37 (hg19) VCF-style: chr16-2160398-G-A.
Other names: c.4770C>T, p.Pro1590= (NM_000296.4).
Identifiers: ClinVar variation 4983450 (VCV004983450.1).

ClinVar aggregate classification (germline): Likely benign (1 of 4 stars; one submission).

Conditions:
PKD1-related disorder. Also called: PKD1-related condition.

gnomAD v4.1: 4 of 1,612,526 alleles (0.00025%); highest among the groups gnomAD compares: Admixed American, 0.0067%; no homozygotes.

Submission:

PreventionGenetics, part of Exact Sciences
Classification: Likely benign for PKD1-related condition. Last evaluated: 2026-09-08. Review status: criteria provided, single submitter. Criteria: ACMG Guidelines, 2015. Collection method: clinical testing. Allele origin: germline.
Comment: This variant is classified as likely benign based on ACMG/AMP sequence variant interpretation guidelines (Richards et al. 2015 PMID: 25741868, with internal and published modifications).